The following is an entry in ClinVar:

ClinVar aggregate classification (germline): Uncertain significance (1 of 4 stars; one submission).

Allele frequency attached by ClinVar (database versions not stated): gnomAD exomes below 0.00001.
gnomAD v4.1: 1 of 1,611,522 alleles (0.000062%); highest among the groups gnomAD compares: East Asian, 0.0022%; no homozygotes.

Submission:

Labcorp Genetics (formerly Invitae), Labcorp
Classification: Uncertain significance. Last evaluated: 2020-11-17. Review status: criteria provided, single submitter. Criteria: Invitae Variant Classification Sherloc (09022015). Collection method: clinical testing. Allele origin: germline.
Comment: This sequence change replaces tyrosine with asparagine at codon 298 of the MYO7A protein (p.Tyr298Asn). The tyrosine residue is highly conserved and there is a large physicochemical difference between tyrosine and asparagine. This variant is not present in population databases (ExAC no frequency). This variant has not been reported in the literature in individuals with MYO7A-related conditions. Advanced modeling of protein sequence and biophysical properties (such as structural, functional, and spatial information, amino acid conservation, physicochemical variation, residue mobility, and thermodynamic stability) performed at Invitae indicates that this missense variant is expected to disrupt MYO7A protein function. In summary, the available evidence is currently insufficient to determine the role of this variant in disease. Therefore, it has been classified as a Variant of Uncertain Significance.

NM_000260.4(MYO7A):c.892T>A (p.Tyr298Asn)

Gene: MYO7A (myosin VIIA; plus strand). Cytogenetic location: 11q13.5.
Variant type: single nucleotide variant.
Coding change: c.892T>A on transcript NM_000260.4 (MANE Select); coding-DNA position 892, T replaced by A.
Protein change: p.Tyr298Asn; replaces tyrosine 298 with asparagine.
Molecular consequence: missense variant.
Genome position (GRCh38, 1-based): chr11:77,158,319, T>A. VCF-style: chr11-77158319-T-A. GRCh37 (hg19) VCF-style: chr11-76869365-T-A.
Other names: c.892T>A, p.Tyr298Asn (NM_001127180.2); c.859T>A, p.Tyr287Asn (NM_001369365.1); short protein forms Y287N, Y298N.
Identifiers: ClinVar variation 1500753 (VCV001500753.8), dbSNP rs782624218, ClinGen allele CA381932917.